The following is an entry in ClinVar:

ClinVar aggregate classification (germline): Pathogenic (1 of 4 stars; one submission).

Submission:

GeneDx
Classification: Pathogenic. Last evaluated: 2023-04-17. Review status: criteria provided, single submitter. Criteria: GeneDx Variant Classification Process June 2021. Collection method: clinical testing. Allele origin: germline. Affected: yes.
Comment: Published functional studies demonstrate a damaging effect (Li et al., 2013); Not observed at significant frequency in large population cohorts (gnomAD); In silico analysis supports that this missense variant has a deleterious effect on protein structure/function; This variant is associated with the following publications: (PMID: 19764023, 23578821)

NM_001372066.1(TFAP2A):c.659T>C (p.Leu220Pro)

Genes: TFAP2A (transcription factor AP-2 alpha; minus strand), TFAP2A-AS2 (TFAP2A antisense RNA 2; plus strand), LOC121740638 (BRD4-independent group 4 enhancer GRCh37_chr6:10403277-10404476; plus strand). Cytogenetic location: 6p24.3.
Variant type: single nucleotide variant.
Coding change: c.659T>C on transcript NM_001372066.1 (MANE Select); coding-DNA position 659, T replaced by C.
Protein change: p.Leu220Pro; replaces leucine 220 with proline.
Molecular consequence: missense variant. On other transcripts: non-coding transcript variant (1).
Genome position (GRCh38, 1-based): chr6:10,404,619, A>G on the plus strand (T>C on the coding strand, the complement: TFAP2A is on the minus strand). VCF-style: chr6-10404619-A-G. GRCh37 (hg19) VCF-style: chr6-10404852-A-G.
Other names: NM_003220.2:c.653T>C; c.635T>C, p.Leu212Pro (NM_001032280.3); c.641T>C, p.Leu214Pro (NM_001042425.3); short protein forms L212P, L214P, L220P.
Identifiers: ClinVar variation 2662575 (VCV002662575.1), dbSNP rs2532363915, ClinGen allele CA362701481.